The following is an entry in ClinVar:

NM_198578.4(LRRK2):c.212A>G (p.Tyr71Cys)

Gene: LRRK2 (leucine rich repeat kinase 2; plus strand). Cytogenetic location: 12q12.
Variant type: single nucleotide variant.
Coding change: c.212A>G on transcript NM_198578.4 (MANE Select); coding-DNA position 212, A replaced by G.
Protein change: p.Tyr71Cys; replaces tyrosine 71 with cysteine.
Molecular consequence: missense variant.
Genome position (GRCh38, 1-based): chr12:40,225,615, A>G. VCF-style: chr12-40225615-A-G. GRCh37 (hg19) VCF-style: chr12-40619417-A-G.
Other names: c.212A>G (NM_198578.3); short protein forms Y71C.
Identifiers: ClinVar variation 1487608 (VCV001487608.7), dbSNP rs1442049869, ClinGen allele CA384399337.

ClinVar aggregate classification (germline): Uncertain significance. Review status: criteria provided, multiple submitters, no conflicts (2 of 4 stars). 2 submissions from 2 submitters: Uncertain significance (2). Last evaluated 2023-11-15.

Conditions:
Inborn genetic diseases. Identifiers: MedGen C0950123, MeSH D030342.
Autosomal dominant Parkinson disease 8. Also called: LRRK2-Related Parkinson Disease; Parkinson disease 8; Parkinson disease 8, susceptibility to. Identifiers: Orphanet 411602, MedGen C1846862, MONDO:0011764, OMIM 607060.

Allele frequency attached by ClinVar (database versions not stated): gnomAD 0.00001; gnomAD exomes 0.00001.
gnomAD v4.1: 7 of 1,613,942 alleles (0.00043%); highest among the groups gnomAD compares: African/African-American, 0.0013%; no homozygotes.

Submissions (2):

Ambry Genetics
Classification: Uncertain significance for Inborn genetic diseases. Last evaluated: 2023-11-15. Review status: criteria provided, single submitter. Criteria: Ambry Variant Classification Scheme 2023. Collection method: clinical testing. Allele origin: germline.
Comment: The p.Y71C variant (also known as c.212A>G), located in coding exon 2 of the LRRK2 gene, results from an A to G substitution at nucleotide position 212. The tyrosine at codon 71 is replaced by cysteine, an amino acid with highly dissimilar properties. This amino acid position is conserved. In addition, the in silico prediction for this alteration is inconclusive. Since supporting evidence is limited at this time, the clinical significance of this alteration remains unclear.

Labcorp Genetics (formerly Invitae), Labcorp
Classification: Uncertain significance for Autosomal dominant Parkinson disease 8. Last evaluated: 2021-10-28. Review status: criteria provided, single submitter. Criteria: Invitae Variant Classification Sherloc (09022015). Collection method: clinical testing. Allele origin: germline.
Comment: This sequence change replaces tyrosine, which is neutral and polar, with cysteine, which is neutral and slightly polar, at codon 71 of the LRRK2 protein (p.Tyr71Cys). This variant is not present in population databases (gnomAD no frequency). This variant has not been reported in the literature in individuals affected with LRRK2-related conditions. Algorithms developed to predict the effect of missense changes on protein structure and function are either unavailable or do not agree on the potential impact of this missense change (SIFT: "Deleterious"; PolyPhen-2: "Probably Damaging"; Align-GVGD: "Class C0"). Algorithms developed to predict the effect of sequence changes on RNA splicing suggest that this variant may create or strengthen a splice site. In summary, the available evidence is currently insufficient to determine the role of this variant in disease. Therefore, it has been classified as a Variant of Uncertain Significance.